The following is an entry in ClinVar:

NM_000093.5(COL5A1):c.4447-45G>A

Genes: COL5A1 (collagen type V alpha 1 chain; plus strand), LOC101448202 (uncharacterized LOC101448202; minus strand). Cytogenetic location: 9q34.3.
Variant type: single nucleotide variant.
Coding change: c.4447-45G>A on transcript NM_000093.5 (MANE Select); 45 bases into the intron before coding-DNA position 4447, G replaced by A.
Molecular consequence: intron variant. On other transcripts: non-coding transcript variant (1).
Genome position (GRCh38, 1-based): chr9:134,820,071, G>A. VCF-style: chr9-134820071-G-A. GRCh37 (hg19) VCF-style: chr9-137711917-G-A.
Other names: c.4447-45G>A (NM_001278074.1).
Identifiers: ClinVar variation 255088 (VCV000255088.4), dbSNP rs3811147, ClinGen allele CA5320298.

ClinVar aggregate classification (germline): Benign. Review status: criteria provided, multiple submitters, no conflicts (2 of 4 stars). 5 submissions from 4 submitters: Benign (5). Last evaluated 2022-03-15.

Conditions:
Fibromuscular dysplasia, multifocal. Identifiers: MedGen C5543412, MONDO:0859151, OMIM 619329.
Ehlers-Danlos syndrome, classic type, 1 (EDSCL1). Also called: Ehlers-Danlos Syndrome, Classic Type, COL5A1-Related; EHLERS-DANLOS SYNDROME, GRAVIS TYPE; EHLERS-DANLOS SYNDROME, SEVERE CLASSIC TYPE; Ehlers-Danlos syndrome, type 1; EDS I. Identifiers: MedGen C0268335, MONDO:0019567, OMIM 130000.

Allele frequency attached by ClinVar (database versions not stated): ESP Exome Variant Server 0.04406; gnomAD 0.04452 and 0.04567; TOPMed 0.05016; 1000 Genomes Project 30x 0.06262; 1000 Genomes Project 0.06290; ExAC 0.02418.
gnomAD v4.1: 23,285 of 1,463,016 alleles (1.6%); highest among the groups gnomAD compares: African/African-American, 13%; 1,017 homozygotes.

Submissions (5):

Genome-Nilou Lab
Classification: Benign for Ehlers-Danlos syndrome, classic type, 1. Last evaluated: 2022-03-15. Review status: criteria provided, single submitter. Criteria: ACMG Guidelines, 2015. Collection method: clinical testing. Allele origin: germline. Affected: no.

Genome-Nilou Lab
Classification: Benign for Fibromuscular dysplasia, multifocal. Last evaluated: 2022-03-15. Review status: criteria provided, single submitter. Criteria: ACMG Guidelines, 2015. Collection method: clinical testing. Allele origin: germline. Affected: no.

GeneDx
Classification: Benign. Last evaluated: 2018-06-19. Review status: criteria provided, single submitter. Criteria: GeneDx Variant Classification (06012015). Collection method: clinical testing. Allele origin: germline. Affected: yes.
Comment: This variant is considered likely benign or benign based on one or more of the following criteria: it is a conservative change, it occurs at a poorly conserved position in the protein, it is predicted to be benign by multiple in silico algorithms, and/or has population frequency not consistent with disease.

Breakthrough Genomics
Classification: Benign. Review status: criteria provided, single submitter. Criteria: ACMG Guidelines, 2015. Collection method: not provided. Allele origin: germline. Inheritance: Autosomal dominant inheritance. Affected: yes.

PreventionGenetics, part of Exact Sciences
Classification: Benign. Review status: criteria provided, single submitter. Criteria: ACMG Guidelines, 2015. Collection method: clinical testing. Allele origin: germline.